The following is an entry in ClinVar:

NM_002485.5(NBN):c.325G>C (p.Glu109Gln)

Gene: NBN (nibrin; minus strand). Cytogenetic location: 8q21.3.
Variant type: single nucleotide variant.
Coding change: c.325G>C on transcript NM_002485.5 (MANE Select); coding-DNA position 325, G replaced by C.
Protein change: p.Glu109Gln; replaces glutamic acid 109 with glutamine.
Molecular consequence: missense variant.
Genome position (GRCh38, 1-based): chr8:89,980,889, C>G on the plus strand (G>C on the coding strand, the complement: NBN is on the minus strand). VCF-style: chr8-89980889-C-G. GRCh37 (hg19) VCF-style: chr8-90993117-C-G.
Other names: p.E109Q:GAG>CAG; c.79G>C, p.Glu27Gln (NM_001024688.3); short protein forms E109Q, E27Q.
Identifiers: ClinVar variation 127870 (VCV000127870.2), dbSNP rs587780096, ClinGen allele CA287931.

ClinVar aggregate classification (germline): Uncertain significance (1 of 4 stars; one submission).

Submission:

GeneDx
Classification: Uncertain significance. Last evaluated: 2014-01-28. Review status: criteria provided, single submitter. Criteria: GeneDx Variant Classification (06012015). Collection method: clinical testing. Allele origin: germline. Affected: yes.
Comment: This variant is denoted NBN c.325G>C at the cDNA level, p.Glu109Gln (E109Q) at the protein level, and results in the change of a Glutamic Acid to a Glutamine (GAG>CAG) in exon 4. This variant has not, to our knowledge, been published in the literature as either a mutation or a benign polymorphism. NBN Glu109Gln was not observed in approximately 6,500 individuals of European and African American ancestry in the NHLBI Exome Variant Server. This variant is a semi-conservative substitution in which a negative polar amino acid is replaced with a neutral polar one, altering a position that is well conserved throughout evolution and is located in within the BRCT domain. Multiple in silico algorithms predict that this variant may be damaging to protein structure and function. Based on the currently available information, we consider NBN Glu109Gln to be a variant of unknown significance. Furthermore, NBN has been only recently described in association with cancer predisposition and the risks are not well understood. This variant has been seen apparently mosaic. The variant is found in HEREDICANCER panel(s).